The following is an entry in ClinVar:

ClinVar aggregate classification (germline): Pathogenic (1 of 4 stars; one submission).

Conditions:
Inborn genetic diseases. Identifiers: MedGen C0950123, MeSH D030342.

Submission:

Ambry Genetics
Classification: Pathogenic for Inborn genetic diseases. Last evaluated: 2025-01-15. Review status: criteria provided, single submitter. Criteria: Ambry Variant Classification Scheme 2023. Collection method: clinical testing. Allele origin: germline.
Comment: The c.989dupC (p.Q331Sfs*44) alteration, located in exon 6 (coding exon 5) of the PIDD1 gene, consists of a duplication of C at position 989, causing a translational frameshift with a predicted alternate stop codon after 44 amino acids. This alteration is expected to result in loss of function by premature protein truncation or nonsense-mediated mRNA decay. Based on the available evidence, this alteration is classified as pathogenic.

NM_145886.4(PIDD1):c.989dup (p.Gln331fs)

Gene: PIDD1 (p53-induced death domain protein 1; minus strand). Cytogenetic location: 11p15.5.
Variant type: Duplication.
Coding change: c.989dup on transcript NM_145886.4 (MANE Select); coding-DNA position 989, one base duplicated (C; older notation c.989dupC).
Protein change: p.Gln331fs; shifts the reading frame from glutamine 331.
Molecular consequence: frameshift variant.
Genome position (GRCh38, 1-based): chr11:802,382, G duplicated on the plus strand (C on the coding strand, the reverse complement: PIDD1 is on the minus strand); the first of 4 consecutive G bases (chr11:802,382-802,385); duplicating any one gives the same sequence. VCF-style (leftmost placement, unchanged base first): chr11-802381-A-AG. GRCh37 (hg19) VCF-style: chr11-802381-A-AG.
Other names: c.989dup, p.Gln331fs (NM_145887.4); short protein forms Q331fs.
Identifiers: ClinVar variation 3888664 (VCV003888664.1).
Genomic context (GRCh38, chr11:802,381, plus strand): 5'-GGTGGCTCCCGCTGGGAACTGCAGGCGGACGCCACAGGCCAGGGTCACTGAGCAGCCTTG[A>AG]GGGGTCACAGGAAAGCTGAGTGAGGAAGGAGCGAGCAACAGGTTAGACCCAGAAGGGCCT-3'